The following is an entry in ClinVar:

ClinVar aggregate classification (germline): Conflicting classifications of pathogenicity. Review status: criteria provided, conflicting classifications (1 of 4 stars). 3 submissions from 3 submitters: Uncertain significance (1); Likely benign (1). 1 of the submissions does not count toward it. Last evaluated 2026-01-27.

Conditions:
Autosomal dominant polycystic kidney disease. Identifiers: Orphanet 730, MedGen C0085413, MONDO:0004691.
Polycystic kidney disease 2 (PKD2). Also called: Polycystic Kidney Disease 2, Autosomal Dominant; POLYCYSTIC KIDNEY DISEASE, ADULT, TYPE II; POLYCYSTIC KIDNEY DISEASE 2 WITH OR WITHOUT POLYCYSTIC LIVER DISEASE. Identifiers: MedGen C2751306, MONDO:0013131, OMIM 613095.
PKD2-related disorder. Also called: PKD2-related condition.

Allele frequency attached by ClinVar (database versions not stated): gnomAD 0.00001; gnomAD exomes 0.00002 and 0.00005; ExAC 0.00007; 1000 Genomes Project 30x 0.00016; 1000 Genomes Project 0.00020.
gnomAD v4.1: 37 of 1,614,026 alleles (0.0023%); highest among the groups gnomAD compares: South Asian, 0.038%; no homozygotes.

Submissions (3):

Labcorp Genetics (formerly Invitae), Labcorp
Classification: Likely benign for Autosomal dominant polycystic kidney disease. Last evaluated: 2026-01-27. Review status: criteria provided, single submitter. Criteria: Invitae Variant Classification Sherloc (09022015). Collection method: clinical testing. Allele origin: germline.

Illumina Laboratory Services, Illumina
Classification: Uncertain significance for Polycystic kidney disease 2. Last evaluated: 2018-01-13. Review status: criteria provided, single submitter. Criteria: ICSL Variant Classification Criteria 13 December 2019. Collection method: clinical testing. Allele origin: germline.

PreventionGenetics, part of Exact Sciences
Classification: Likely benign for PKD2-related condition. Last evaluated: 2019-07-03. Review status: no assertion criteria provided. Collection method: clinical testing. Allele origin: germline. Not counted in ClinVar's aggregate classification.
Comment: This variant is classified as likely benign based on ACMG/AMP sequence variant interpretation guidelines (Richards et al. 2015 PMID: 25741868, with internal and published modifications).

NM_000297.4(PKD2):c.2388A>G (p.Leu796=)

Gene: PKD2 (polycystin 2, transient receptor potential cation channel; plus strand). Cytogenetic location: 4q22.1.
Variant type: single nucleotide variant.
Coding change: c.2388A>G on transcript NM_000297.4 (MANE Select); coding-DNA position 2388, A replaced by G.
Protein change: p.Leu796=; no amino-acid change (leucine 796 retained).
Molecular consequence: synonymous variant. On other transcripts: non-coding transcript variant (1).
Genome position (GRCh38, 1-based): chr4:88,067,927, A>G. VCF-style: chr4-88067927-A-G. GRCh37 (hg19) VCF-style: chr4-88989079-A-G.
Identifiers: ClinVar variation 350029 (VCV000350029.13), dbSNP rs535577967, ClinGen allele CA3004237.